The following is an entry in ClinVar:

ClinVar aggregate classification (germline): Pathogenic (0 of 4 stars; one submission).

Conditions:
Niemann-Pick disease, type C1. Also called: NIEMANN-PICK DISEASE, VARIANT TYPE C1; NEUROVISCERAL STORAGE DISEASE WITH VERTICAL SUPRANUCLEAR OPHTHALMOPLEGIA; NIEMANN-PICK DISEASE WITH CHOLESTEROL ESTERIFICATION BLOCK; NIEMANN-PICK DISEASE WITHOUT SPHINGOMYELINASE DEFICIENCY; NIEMANN-PICK DISEASE, CHRONIC NEURONOPATHIC FORM. Identifiers: Orphanet 646, MedGen C3179455, MONDO:0009757, OMIM 257220.

Submission:

Shanghain Institute for Pediatric Research
Classification: Pathogenic for Niemann-Pick disease type C1. Review status: no assertion criteria provided. Collection method: not provided. Allele origin: germline.
ClinVar note: Converted during submission from pathogenic to Pathogenic.

NM_000271.5(NPC1):c.2795dup (p.Tyr932Ter)

Gene: NPC1 (NPC intracellular cholesterol transporter 1; minus strand). Cytogenetic location: 18q11.2.
Variant type: Duplication.
Coding change: c.2795dup on transcript NM_000271.5 (MANE Select); coding-DNA position 2795, one base duplicated (A; older notation c.2795dupA).
Protein change: p.Tyr932Ter; replaces tyrosine 932 with a stop codon.
Molecular consequence: nonsense.
Genome position (GRCh38, 1-based): chr18:23,539,811, T duplicated on the plus strand (A on the coding strand, the reverse complement: NPC1 is on the minus strand). VCF-style (leftmost placement, unchanged base first): chr18-23539810-C-CT. GRCh37 (hg19) VCF-style: chr18-21119774-C-CT.
Other names: short protein forms Y932*.
Identifiers: ClinVar variation 132899 (VCV000132899.2), dbSNP rs483352884, ClinGen allele CA269833.